The following is an entry in ClinVar:

ClinVar aggregate classification (germline): Uncertain significance (1 of 4 stars; one submission).

Conditions:
Tuberous sclerosis 2 (TSC2). Identifiers: Orphanet 805, MedGen C1860707, MONDO:0013199, OMIM 613254.

Submission:

Labcorp Genetics (formerly Invitae), Labcorp
Classification: Uncertain significance for Tuberous sclerosis 2. Last evaluated: 2024-08-14. Review status: criteria provided, single submitter. Criteria: Invitae Variant Classification Sherloc (09022015). Collection method: clinical testing. Allele origin: germline.
Comment: This sequence change replaces serine, which is neutral and polar, with phenylalanine, which is neutral and non-polar, at codon 1738 of the TSC2 protein (p.Ser1738Phe). This variant is not present in population databases (gnomAD no frequency). This variant has not been reported in the literature in individuals affected with TSC2-related conditions. Invitae Evidence Modeling of protein sequence and biophysical properties (such as structural, functional, and spatial information, amino acid conservation, physicochemical variation, residue mobility, and thermodynamic stability) has been performed for this missense variant. However, the output from this modeling did not meet the statistical confidence thresholds required to predict the impact of this variant on TSC2 protein function. In summary, the available evidence is currently insufficient to determine the role of this variant in disease. Therefore, it has been classified as a Variant of Uncertain Significance.

NM_000548.5(TSC2):c.5213C>T (p.Ser1738Phe)

Gene: TSC2 (TSC complex subunit 2; plus strand). Cytogenetic location: 16p13.3.
Variant type: single nucleotide variant.
Coding change: c.5213C>T on transcript NM_000548.5 (MANE Select); coding-DNA position 5213, C replaced by T.
Protein change: p.Ser1738Phe; replaces serine 1738 with phenylalanine.
Molecular consequence: missense variant. On other transcripts: non-coding transcript variant (5).
Genome position (GRCh38, 1-based): chr16:2,088,279, C>T. VCF-style: chr16-2088279-C-T. GRCh37 (hg19) VCF-style: chr16-2138280-C-T.
Other names: c.5012C>T, p.Ser1671Phe (NM_001077183.3); c.5144C>T, p.Ser1715Phe (NM_001114382.3); c.4904C>T, p.Ser1635Phe (NM_001318827.2); c.4868C>T, p.Ser1623Phe (NM_001318829.2); c.4481C>T, p.Ser1494Phe (NM_001318831.2); c.5045C>T, p.Ser1682Phe (NM_001318832.2); c.5015C>T, p.Ser1672Phe (NM_001363528.2); c.5081C>T, p.Ser1694Phe (NM_001370404.1); and 27 more; short protein forms S1224F, S1538F, S1622F, S1652F, S1667F, S1691F, S1701F, S1712F.
Identifiers: ClinVar variation 3637262 (VCV003637262.2).